The following is an entry in ClinVar:

ClinVar aggregate classification (germline): Pathogenic/Likely pathogenic. Review status: criteria provided, multiple submitters, no conflicts (2 of 4 stars). 2 submissions from 2 submitters: Pathogenic (1); Likely pathogenic (1). Last evaluated 2026-01-27.

Conditions:
Arrhythmogenic right ventricular dysplasia 8 (ARVD8). Also called: Arrhythmogenic Right Ventricular Dysplasia/Cardiomyopathy 8; ARRHYTHMOGENIC RIGHT VENTRICULAR DYSPLASIA, FAMILIAL, 8; ARRHYTHMOGENIC RIGHT VENTRICULAR CARDIOMYOPATHY 8. Identifiers: MedGen C1843896, MONDO:0011831, OMIM 607450.
Arrhythmogenic cardiomyopathy with wooly hair and keratoderma. Also called: Carvajal syndrome; Dilated cardiomyopathy with woolly hair and keratoderma; Arrhythmogenic cardiomyopathy with woolly hair and keratoderma; PALMOPLANTAR KERATODERMA WITH LEFT VENTRICULAR CARDIOMYOPATHY AND WOOLLY HAIR. Identifiers: Orphanet 65282, MedGen C1854063, MONDO:0011581, OMIM 605676.

Submissions (2):

Labcorp Genetics (formerly Invitae), Labcorp
Classification: Pathogenic for Arrhythmogenic cardiomyopathy with wooly hair and keratoderma; Arrhythmogenic right ventricular dysplasia 8. Last evaluated: 2026-01-27. Review status: criteria provided, single submitter. Criteria: Invitae Variant Classification Sherloc (09022015). Collection method: clinical testing. Allele origin: germline.
Comment: This sequence change creates a premature translational stop signal (p.Ile2359Serfs*10) in the DSP gene. While this is not anticipated to result in nonsense mediated decay, it is expected to disrupt the last 513 amino acid(s) of the DSP protein. This variant is not present in population databases (gnomAD no frequency). This variant has not been reported in the literature in individuals affected with DSP-related conditions. ClinVar contains an entry for this variant (Variation ID: 571455). This variant disrupts a region of the DSP protein in which other variant(s) (p.Glu2728Glyfs*11) have been determined to be pathogenic (internal data). This suggests that this is a clinically significant region of the protein, and that variants that disrupt it are likely to be disease-causing. For these reasons, this variant has been classified as Pathogenic.

GeneDx
Classification: Likely pathogenic. Last evaluated: 2023-09-22. Review status: criteria provided, single submitter. Criteria: GeneDx Variant Classification Process June 2021. Collection method: clinical testing. Allele origin: germline. Affected: yes.
Comment: Not observed at significant frequency in large population cohorts (gnomAD); Frameshift variant predicted to result in protein truncation in a gene for which loss of function is a known mechanism of disease; This variant is associated with the following publications: (PMID: 33684294)

NM_004415.4(DSP):c.7075del (p.Ile2359fs)

Gene: DSP (desmoplakin; plus strand). Cytogenetic location: 6p24.3.
Variant type: Deletion.
Coding change: c.7075del on transcript NM_004415.4 (MANE Select); coding-DNA position 7075, one base deleted (A; older notation c.7075delA).
Protein change: p.Ile2359fs; shifts the reading frame from isoleucine 2359.
Molecular consequence: frameshift variant.
Genome position (GRCh38, 1-based): chr6:7,584,337, A deleted. VCF-style (leftmost placement, unchanged base first): chr6-7584336-CA-C. GRCh37 (hg19) VCF-style: chr6-7584569-CA-C.
Other names: c.7075del (LRG_423t1, NM_004415.2); c.5278del, p.Ile1760fs (NM_001008844.3); c.5746del, p.Ile1916fs (NM_001319034.2); short protein forms I1916fs, I1760fs, I2359fs.
Identifiers: ClinVar variation 571455 (VCV000571455.12), dbSNP rs1561703363, ClinGen allele CA891843182.